The following is an entry in ClinVar:

NM_201596.3(CACNB2):c.1252C>T (p.His418Tyr)

Gene: CACNB2 (calcium voltage-gated channel auxiliary subunit beta 2; plus strand). Cytogenetic location: 10p12.31.
Variant type: single nucleotide variant.
Coding change: c.1252C>T on transcript NM_201596.3 (MANE Select); coding-DNA position 1252, C replaced by T.
Protein change: p.His418Tyr; replaces histidine 418 with tyrosine.
Molecular consequence: missense variant.
Genome position (GRCh38, 1-based): chr10:18,536,146, C>T. VCF-style: chr10-18536146-C-T. GRCh37 (hg19) VCF-style: chr10-18825075-C-T.
Other names: c.1087C>T, p.His363Tyr (NM_000724.4); c.1054C>T, p.His352Tyr (NM_001167945.2); c.973C>T, p.His325Tyr (NM_001330060.2); c.994C>T, p.His332Tyr (NM_001410882.1); c.1108C>T, p.His370Tyr (NM_201570.3); c.1168C>T, p.His390Tyr (NM_201571.4); c.1096C>T, p.His366Tyr (NM_201572.4); c.1090C>T, p.His364Tyr (NM_201590.3); and 2 more; short protein forms H380Y, H332Y, H364Y, H325Y, H363Y, H366Y, H352Y, H370Y.
Identifiers: ClinVar variation 2912288 (VCV002912288.3), dbSNP rs756840043, ClinGen allele CA5429954.

ClinVar aggregate classification (germline): Uncertain significance (1 of 4 stars; one submission).

Conditions:
Brugada syndrome 4 (BRGDA4). Identifiers: Orphanet 130, MedGen C2678477, MONDO:0012743, OMIM 611876.

Allele frequency attached by ClinVar (database versions not stated): ExAC 0.00001.
gnomAD v4.1: 6 of 1,607,492 alleles (0.00037%); highest among the groups gnomAD compares: East Asian, 0.0022%; no homozygotes.

Submission:

Labcorp Genetics (formerly Invitae), Labcorp
Classification: Uncertain significance for Brugada syndrome 4. Last evaluated: 2023-08-14. Review status: criteria provided, single submitter. Criteria: Invitae Variant Classification Sherloc (09022015). Collection method: clinical testing. Allele origin: germline.
Comment: This variant has not been reported in the literature in individuals affected with CACNB2-related conditions. In summary, the available evidence is currently insufficient to determine the role of this variant in disease. Therefore, it has been classified as a Variant of Uncertain Significance. Advanced modeling of protein sequence and biophysical properties (such as structural, functional, and spatial information, amino acid conservation, physicochemical variation, residue mobility, and thermodynamic stability) performed at Invitae indicates that this missense variant is not expected to disrupt CACNB2 protein function. This variant is present in population databases (rs756840043, gnomAD 0.006%). This sequence change replaces histidine, which is basic and polar, with tyrosine, which is neutral and polar, at codon 364 of the CACNB2 protein (p.His364Tyr).